The following is an entry in ClinVar:

NM_000383.4(AIRE):c.1458G>A (p.Gly486=)

Gene: AIRE (autoimmune regulator; plus strand). Cytogenetic location: 21q22.3.
Variant type: single nucleotide variant.
Coding change: c.1458G>A on transcript NM_000383.4 (MANE Select); coding-DNA position 1458, G replaced by A.
Protein change: p.Gly486=; no amino-acid change (glycine 486 retained).
Molecular consequence: synonymous variant.
Genome position (GRCh38, 1-based): chr21:44,294,458, G>A. VCF-style: chr21-44294458-G-A. GRCh37 (hg19) VCF-style: chr21-45714341-G-A.
Identifiers: ClinVar variation 794536 (VCV000794536.13), dbSNP rs774298250, ClinGen allele CA10052139.
Genomic context (GRCh38, chr21:44,294,458, plus strand): 5'-CAGGACGGGCCTGCGCTGCAGATCCTGCTCAGGAGACGTGACCCCAGCCCCTGTGGAGGG[G>A]GTGCTGGCCCCCAGCCCCGCCCGCCTGGCCCCTGGGCCTGCCAAGGTCAGTGCCGCAGGG-3'
Protein context (NP_000374.1, residues 476-496): SGDVTPAPVE[Gly486=]VLAPSPARLA

ClinVar aggregate classification (germline): Likely benign. Review status: criteria provided, multiple submitters, no conflicts (2 of 4 stars). 3 submissions from 3 submitters: Likely benign (2). 1 of the submissions does not count toward it. Last evaluated 2025-12-27.

Conditions:
AIRE-related disorder. Also called: AIRE-related condition.
Polyglandular autoimmune syndrome, type 1 (APS1). Also called: Autoimmune polyendocrinopathy syndrome, type I; Whitaker syndrome; HYPOADRENOCORTICISM WITH HYPOPARATHYROIDISM AND SUPERFICIAL MONILIASIS; PGA I; AUTOIMMUNE POLYENDOCRINE SYNDROME, TYPE I, WITH OR WITHOUT REVERSIBLE METAPHYSEAL DYSPLASIA; APS I. Identifiers: Orphanet 3453, MedGen C0085859, MONDO:0009411, OMIM 240300.

Allele frequency attached by ClinVar (database versions not stated): TOPMed 0.00002; ExAC 0.00003; gnomAD 0.00003 and 0.00004.
gnomAD v4.1: 23 of 1,564,402 alleles (0.0015%); highest among the groups gnomAD compares: Admixed American, 0.013%; no homozygotes.

Submissions (3):

Labcorp Genetics (formerly Invitae), Labcorp
Classification: Likely benign for Polyglandular autoimmune syndrome, type 1. Last evaluated: 2025-12-27. Review status: criteria provided, single submitter. Criteria: Invitae Variant Classification Sherloc (09022015). Collection method: clinical testing. Allele origin: germline.

Blueprint Genetics
Classification: Likely benign. Last evaluated: 2023-11-03. Review status: criteria provided, single submitter. Criteria: ACMG Guidelines, 2015. Collection method: clinical testing. Allele origin: germline.

PreventionGenetics, part of Exact Sciences
Classification: Likely benign for AIRE-related condition. Last evaluated: 2022-12-19. Review status: no assertion criteria provided. Collection method: clinical testing. Allele origin: germline. Not counted in ClinVar's aggregate classification.
Comment: This variant is classified as likely benign based on ACMG/AMP sequence variant interpretation guidelines (Richards et al. 2015 PMID: 25741868, with internal and published modifications).